The following is an entry in ClinVar:

ClinVar aggregate classification (germline): Uncertain significance (1 of 4 stars; one submission).

Conditions:
Spermatogenic failure 18. Identifiers: MedGen C4539783, MONDO:0054615, OMIM 617576.
Ciliary dyskinesia, primary, 37 (CILD37). Also called: CILIARY DYSKINESIA, PRIMARY, 37, WITH OR WITHOUT SITUS INVERSUS. Identifiers: MedGen C4539798, MONDO:0033204, OMIM 617577.

Submission:

Labcorp Genetics (formerly Invitae), Labcorp
Classification: Uncertain significance for Ciliary dyskinesia, primary, 37; Spermatogenic failure 18. Last evaluated: 2024-09-11. Review status: criteria provided, single submitter. Criteria: Invitae Variant Classification Sherloc (09022015). Collection method: clinical testing. Allele origin: germline.
Comment: This sequence change replaces asparagine, which is neutral and polar, with isoleucine, which is neutral and non-polar, at codon 3465 of the DNAH1 protein (p.Asn3465Ile). This variant is not present in population databases (gnomAD no frequency). This variant has not been reported in the literature in individuals affected with DNAH1-related conditions. Invitae Evidence Modeling of protein sequence and biophysical properties (such as structural, functional, and spatial information, amino acid conservation, physicochemical variation, residue mobility, and thermodynamic stability) indicates that this missense variant is expected to disrupt DNAH1 protein function with a positive predictive value of 80%. In summary, the available evidence is currently insufficient to determine the role of this variant in disease. Therefore, it has been classified as a Variant of Uncertain Significance.

NM_015512.5(DNAH1):c.10394A>T (p.Asn3465Ile)

Gene: DNAH1 (dynein axonemal heavy chain 1; plus strand). Cytogenetic location: 3p21.1.
Variant type: single nucleotide variant.
Coding change: c.10394A>T on transcript NM_015512.5 (MANE Select); coding-DNA position 10394, A replaced by T.
Protein change: p.Asn3465Ile; replaces asparagine 3465 with isoleucine.
Molecular consequence: missense variant.
Genome position (GRCh38, 1-based): chr3:52,392,945, A>T. VCF-style: chr3-52392945-A-T. GRCh37 (hg19) VCF-style: chr3-52426961-A-T.
Other names: short protein forms N3465I.
Identifiers: ClinVar variation 3750858 (VCV003750858.2).
Genomic context (GRCh38, chr3:52,392,945, plus strand): 5'-AGTACATACCCGTGGCCATCCGCACCCAGATCCTCTTCTTCTGTGTGTCCGACCTGGCCA[A>T]CGTGGACCCCATGTACCAGTACTCCCTTGAGTGGTTTCTCAACATCTTCCTCTCGGGCAT-3'
Protein context (NP_056327.4, residues 3455-3475): ILFFCVSDLA[Asn3465Ile]VDPMYQYSLE